The following is an entry in ClinVar:

ClinVar aggregate classification (germline): Likely pathogenic (1 of 4 stars; one submission).

Submission:

CeGaT Center for Human Genetics Tuebingen
Classification: Likely pathogenic. Last evaluated: 2023-12-01. Review status: criteria provided, single submitter. Criteria: CeGaT Center For Human Genetics Tuebingen Variant Classification Criteria Version 2. Collection method: clinical testing. Allele origin: germline. Affected: yes. Observed: 1 variant allele.
Comment: MBD5: PS2, PM2, PP3, PS3:Supporting, PS4:Supporting

NM_001378120.1(MBD5):c.397+5G>C

Gene: MBD5 (methyl-CpG binding domain protein 5; plus strand). Cytogenetic location: 2q23.1.
Variant type: single nucleotide variant.
Coding change: c.397+5G>C on transcript NM_001378120.1 (MANE Select); 5 bases into the intron after coding-DNA position 397, G replaced by C.
Molecular consequence: intron variant.
Genome position (GRCh38, 1-based): chr2:148,463,924, G>C. VCF-style: chr2-148463924-G-C. GRCh37 (hg19) VCF-style: chr2-149221493-G-C.
Other names: c.397+5G>C (NM_018328.5).
Identifiers: ClinVar variation 3026522 (VCV003026522.22), dbSNP rs2469819739, ClinGen allele CA2586970368.